The following is an entry in ClinVar:

ClinVar aggregate classification (germline): Uncertain significance. Review status: criteria provided, multiple submitters, no conflicts (2 of 4 stars). 2 submissions from 2 submitters: Uncertain significance (2). Last evaluated 2024-08-14.

Allele frequency attached by ClinVar (database versions not stated): gnomAD exomes below 0.00001; gnomAD 0.00001; ExAC 0.00002.
gnomAD v4.1: 8 of 1,613,364 alleles (0.0005%); highest among the groups gnomAD compares: East Asian, 0.0067%; no homozygotes.

Submissions (2):

Labcorp Genetics (formerly Invitae), Labcorp
Classification: Uncertain significance. Last evaluated: 2024-08-14. Review status: criteria provided, single submitter. Criteria: Invitae Variant Classification Sherloc (09022015). Collection method: clinical testing. Allele origin: germline.
Comment: This sequence change replaces glutamic acid, which is acidic and polar, with lysine, which is basic and polar, at codon 1531 of the SMARCA2 protein (p.Glu1531Lys). This variant is present in population databases (rs755656104, gnomAD 0.02%). This variant has not been reported in the literature in individuals affected with SMARCA2-related conditions. ClinVar contains an entry for this variant (Variation ID: 2576105). Invitae Evidence Modeling of protein sequence and biophysical properties (such as structural, functional, and spatial information, amino acid conservation, physicochemical variation, residue mobility, and thermodynamic stability) indicates that this missense variant is not expected to disrupt SMARCA2 protein function with a negative predictive value of 80%. In summary, the available evidence is currently insufficient to determine the role of this variant in disease. Therefore, it has been classified as a Variant of Uncertain Significance.

Institute for Clinical Genetics, University Hospital TU Dresden, University Hospital TU Dresden
Classification: Uncertain significance. Last evaluated: 2023-03-31. Review status: criteria provided, single submitter. Criteria: ACMG Guidelines, 2015. Collection method: clinical testing. Allele origin: paternal.
Comment: PM2_SUP

NM_003070.5(SMARCA2):c.4591G>A (p.Glu1531Lys)

Gene: SMARCA2 (SWI/SNF related BAF chromatin remodeling complex subunit ATPase 2; plus strand). Cytogenetic location: 9p24.3.
Variant type: single nucleotide variant.
Coding change: c.4591G>A on transcript NM_003070.5 (MANE Select); coding-DNA position 4591, G replaced by A.
Protein change: p.Glu1531Lys; replaces glutamic acid 1531 with lysine.
Molecular consequence: missense variant.
Genome position (GRCh38, 1-based): chr9:2,186,225, G>A. VCF-style: chr9-2186225-G-A. GRCh37 (hg19) VCF-style: chr9-2186225-G-A.
Other names: c.4591G>A, p.Glu1531Lys (NM_001289396.2); c.4363G>A, p.Glu1455Lys (NM_001289397.2); c.565G>A, p.Glu189Lys (NM_001289398.2); c.649G>A, p.Glu217Lys (NM_001289399.2); c.655G>A, p.Glu219Lys (NM_001289400.2); c.4537G>A, p.Glu1513Lys (NM_139045.4); short protein forms E1455K, E1513K, E1531K, E189K, E217K, E219K.
Identifiers: ClinVar variation 2576105 (VCV002576105.3), dbSNP rs755656104, ClinGen allele CA4964227.